The following is an entry in ClinVar:

ClinVar aggregate classification (germline): Uncertain significance (1 of 4 stars; one submission).

Conditions:
Cystic fibrosis (CF). Also called: MUCOVISCIDOSIS. Identifiers: Orphanet 586, MedGen C0010674, MONDO:0009061, OMIM 219700. Disease mechanism: loss of function.

Submission:

Labcorp Genetics (formerly Invitae), Labcorp
Classification: Uncertain significance for Cystic fibrosis. Last evaluated: 2024-12-18. Review status: criteria provided, single submitter. Criteria: Invitae Variant Classification Sherloc (09022015). Collection method: clinical testing. Allele origin: germline.
Comment: This sequence change replaces leucine, which is neutral and non-polar, with proline, which is neutral and non-polar, at codon 941 of the CFTR protein (p.Leu941Pro). This variant is not present in population databases (gnomAD no frequency). This variant has not been reported in the literature in individuals affected with CFTR-related conditions. Invitae Evidence Modeling of protein sequence and biophysical properties (such as structural, functional, and spatial information, amino acid conservation, physicochemical variation, residue mobility, and thermodynamic stability) indicates that this missense variant is expected to disrupt CFTR protein function with a positive predictive value of 80%. In summary, the available evidence is currently insufficient to determine the role of this variant in disease. Therefore, it has been classified as a Variant of Uncertain Significance.

NM_000492.4(CFTR):c.2822T>C (p.Leu941Pro)

Gene: CFTR (CF transmembrane conductance regulator; plus strand). Cytogenetic location: 7q31.2.
Variant type: single nucleotide variant.
Coding change: c.2822T>C on transcript NM_000492.4 (MANE Select); coding-DNA position 2822, T replaced by C.
Protein change: p.Leu941Pro; replaces leucine 941 with proline.
Molecular consequence: missense variant.
Genome position (GRCh38, 1-based): chr7:117,603,696, T>C. VCF-style: chr7-117603696-T-C. GRCh37 (hg19) VCF-style: chr7-117243750-T-C.
Other names: short protein forms L941P.
Identifiers: ClinVar variation 3673254 (VCV003673254.2).